The following is an entry in ClinVar:

ClinVar aggregate classification (germline): Uncertain significance (1 of 4 stars; one submission).

Submission:

GeneDx
Classification: Uncertain significance. Last evaluated: 2022-06-14. Review status: criteria provided, single submitter. Criteria: GeneDx Variant Classification Process June 2021. Collection method: clinical testing. Allele origin: germline. Affected: yes.
Comment: Not observed at significant frequency in large population cohorts (gnomAD); In silico analysis supports that this missense variant has a deleterious effect on protein structure/function; Has not been previously published as pathogenic or benign to our knowledge

NM_001393769.1(MED12L):c.1639T>C (p.Ser547Pro)

Gene: MED12L (mediator complex subunit 12L; plus strand). Cytogenetic location: 3q25.1.
Variant type: single nucleotide variant.
Coding change: c.1639T>C on transcript NM_001393769.1 (MANE Select); coding-DNA position 1639, T replaced by C.
Protein change: p.Ser547Pro; replaces serine 547 with proline.
Molecular consequence: missense variant.
Genome position (GRCh38, 1-based): chr3:151,188,366, T>C. VCF-style: chr3-151188366-T-C. GRCh37 (hg19) VCF-style: chr3-150906153-T-C.
Other names: c.1639T>C, p.Ser547Pro (NM_053002.6); short protein forms S547P.
Identifiers: ClinVar variation 1804397 (VCV001804397.1), dbSNP rs979476247, ClinGen allele CA85703032.